The following is an entry in ClinVar:

NM_000179.3(MSH6):c.1771C>G (p.Pro591Ala)

Gene: MSH6 (mutS homolog 6; plus strand). Cytogenetic location: 2p16.3.
Variant type: single nucleotide variant.
Coding change: c.1771C>G on transcript NM_000179.3 (MANE Select); coding-DNA position 1771, C replaced by G.
Protein change: p.Pro591Ala; replaces proline 591 with alanine.
Molecular consequence: missense variant.
Genome position (GRCh38, 1-based): chr2:47,799,754, C>G. VCF-style: chr2-47799754-C-G. GRCh37 (hg19) VCF-style: chr2-48026893-C-G.
Other names: c.1381C>G, p.Pro461Ala (NM_001281492.2); c.865C>G, p.Pro289Ala (NM_001281493.2, NM_001281494.2); short protein forms P289A, P461A, P591A.
Identifiers: ClinVar variation 848602 (VCV000848602.10), dbSNP rs267608045, ClinGen allele CA346749160.

ClinVar aggregate classification (germline): Uncertain significance (1 of 4 stars; one submission).

Conditions:
Hereditary nonpolyposis colorectal neoplasms. Identifiers: MedGen C0009405, MeSH D003123.

Submission:

Labcorp Genetics (formerly Invitae), Labcorp
Classification: Uncertain significance for Hereditary nonpolyposis colorectal neoplasms. Last evaluated: 2024-07-16. Review status: criteria provided, single submitter. Criteria: Invitae Variant Classification Sherloc (09022015). Collection method: clinical testing. Allele origin: germline.
Comment: This sequence change replaces proline, which is neutral and non-polar, with alanine, which is neutral and non-polar, at codon 591 of the MSH6 protein (p.Pro591Ala). This variant is not present in population databases (gnomAD no frequency). This variant has not been reported in the literature in individuals affected with MSH6-related conditions. ClinVar contains an entry for this variant (Variation ID: 848602). Advanced modeling of protein sequence and biophysical properties (such as structural, functional, and spatial information, amino acid conservation, physicochemical variation, residue mobility, and thermodynamic stability) has been performed at Invitae for this missense variant, however the output from this modeling did not meet the statistical confidence thresholds required to predict the impact of this variant on MSH6 protein function. In summary, the available evidence is currently insufficient to determine the role of this variant in disease. Therefore, it has been classified as a Variant of Uncertain Significance.